The following is an entry in ClinVar:

ClinVar aggregate classification (germline): Uncertain significance (1 of 4 stars; one submission).

Conditions:
Inborn genetic diseases. Identifiers: MedGen C0950123, MeSH D030342.

Submission:

Ambry Genetics
Classification: Uncertain significance for Inborn genetic diseases. Last evaluated: 2026-08-23. Review status: criteria provided, single submitter. Criteria: Ambry Variant Classification Scheme 2023. Collection method: clinical testing. Allele origin: germline.
Comment: The p.L578M variant (also known as c.1732T>A), located in coding exon 1 of the SAMD9L gene, results from a T to A substitution at nucleotide position 1732. The leucine at codon 578 is replaced by methionine, an amino acid with highly similar properties. This amino acid position is conserved. In addition, this alteration is predicted to be tolerated by in silico analysis. Based on the available evidence, the clinical significance of this variant remains unclear.

NM_152703.5(SAMD9L):c.1732T>A (p.Leu578Met)

Gene: SAMD9L (sterile alpha motif domain containing 9 like; minus strand). Cytogenetic location: 7q21.2.
Variant type: single nucleotide variant.
Coding change: c.1732T>A on transcript NM_152703.5 (MANE Select); coding-DNA position 1732, T replaced by A.
Protein change: p.Leu578Met; replaces leucine 578 with methionine.
Molecular consequence: missense variant.
Genome position (GRCh38, 1-based): chr7:93,134,240, A>T on the plus strand (T>A on the coding strand, the complement: SAMD9L is on the minus strand). VCF-style: chr7-93134240-A-T. GRCh37 (hg19) VCF-style: chr7-92763553-A-T.
Other names: c.1732T>A, p.Leu578Met (NM_001303496.3, NM_001303497.3, NM_001303498.3 and 5 more transcripts); short protein forms L578M.
Identifiers: ClinVar variation 5028967 (VCV005028967.1).